The following is an entry in ClinVar:

ClinVar aggregate classification (germline): Uncertain significance. Review status: criteria provided, multiple submitters, no conflicts (2 of 4 stars). 2 submissions from 2 submitters: Uncertain significance (2). Last evaluated 2023-12-17.

Allele frequency attached by ClinVar (database versions not stated): gnomAD exomes below 0.00001; gnomAD 0.00001; ExAC 0.00002; TOPMed 0.00004; ESP Exome Variant Server 0.00008.
gnomAD v4.1: 7 of 1,613,220 alleles (0.00043%); highest among the groups gnomAD compares: East Asian, 0.016%; no homozygotes.

Submissions (2):

Ambry Genetics
Classification: Uncertain significance. Last evaluated: 2023-12-17. Review status: criteria provided, single submitter. Criteria: Ambry Variant Classification Scheme 2023. Collection method: clinical testing. Allele origin: germline.

Labcorp Genetics (formerly Invitae), Labcorp
Classification: Uncertain significance. Last evaluated: 2022-08-23. Review status: criteria provided, single submitter. Criteria: Invitae Variant Classification Sherloc (09022015). Collection method: clinical testing. Allele origin: germline.
Comment: In summary, the available evidence is currently insufficient to determine the role of this variant in disease. Therefore, it has been classified as a Variant of Uncertain Significance. Algorithms developed to predict the effect of missense changes on protein structure and function output the following: SIFT: "Not Available"; PolyPhen-2: "Benign"; Align-GVGD: "Not Available". The threonine amino acid residue is found in multiple mammalian species, which suggests that this missense change does not adversely affect protein function. This variant has not been reported in the literature in individuals affected with TMPRSS15-related conditions. The frequency data for this variant in the population databases is considered unreliable, as metrics indicate poor data quality at this position in the gnomAD database. This sequence change replaces isoleucine, which is neutral and non-polar, with threonine, which is neutral and polar, at codon 750 of the TMPRSS15 protein (p.Ile750Thr).

NM_002772.3(TMPRSS15):c.2249T>C (p.Ile750Thr)

Gene: TMPRSS15 (transmembrane serine protease 15; minus strand). Cytogenetic location: 21q21.1.
Variant type: single nucleotide variant.
Coding change: c.2249T>C on transcript NM_002772.3 (MANE Select); coding-DNA position 2249, T replaced by C.
Protein change: p.Ile750Thr; replaces isoleucine 750 with threonine.
Molecular consequence: missense variant.
Genome position (GRCh38, 1-based): chr21:18,297,746, A>G on the plus strand (T>C on the coding strand, the complement: TMPRSS15 is on the minus strand). VCF-style: chr21-18297746-A-G. GRCh37 (hg19) VCF-style: chr21-19670063-A-G.
Other names: c.2249T>C (NM_002772.2); short protein forms I750T.
Identifiers: ClinVar variation 2152473 (VCV002152473.5), dbSNP rs368498314, ClinGen allele CA9984150.